The following is an entry in ClinVar:

ClinVar aggregate classification (germline): Benign (1 of 4 stars; one submission).

Allele frequency attached by ClinVar (database versions not stated): gnomAD 0.58384 and 0.59402; TOPMed 0.59201; 1000 Genomes Project 0.54752.
gnomAD v4.1: 88,727 of 152,138 alleles (58%); highest among the groups gnomAD compares: African/African-American, 68%; 26,338 homozygotes.

Submission:

GeneDx
Classification: Benign. Last evaluated: 2018-06-14. Review status: criteria provided, single submitter. Criteria: GeneDx Variant Classification (06012015). Collection method: clinical testing. Allele origin: germline. Affected: yes.
Comment: This variant is considered likely benign or benign based on one or more of the following criteria: it is a conservative change, it occurs at a poorly conserved position in the protein, it is predicted to be benign by multiple in silico algorithms, and/or has population frequency not consistent with disease.

NM_000260.4(MYO7A):c.4441+333C>A

Gene: MYO7A (myosin VIIA; plus strand). Cytogenetic location: 11q13.5.
Variant type: single nucleotide variant.
Coding change: c.4441+333C>A on transcript NM_000260.4 (MANE Select); 333 bases into the intron after coding-DNA position 4441, C replaced by A.
Molecular consequence: intron variant.
Genome position (GRCh38, 1-based): chr11:77,197,931, C>A. VCF-style: chr11-77197931-C-A. GRCh37 (hg19) VCF-style: chr11-76908976-C-A.
Other names: c.4408+333C>A (NM_001369365.1); c.4441+333C>A (NM_001127180.2).
Identifiers: ClinVar variation 673902 (VCV000673902.1), dbSNP rs4945158, ClinGen allele CA13464849.